The following is an entry in ClinVar:

ClinVar aggregate classification (germline): Benign (1 of 4 stars; one submission).

Conditions:
Congenital Muscular Dystrophy, alpha-dystroglycan related.

Allele frequency attached by ClinVar (database versions not stated): gnomAD exomes 0.07082; gnomAD 0.09845 and 0.10772; ExAC 0.10274; 1000 Genomes Project 0.11362; 1000 Genomes Project 30x 0.12586.

Submission:

Illumina Laboratory Services, Illumina
Classification: Benign for Congenital Muscular Dystrophy, alpha-dystroglycan related. Last evaluated: 2018-01-13. Review status: criteria provided, single submitter. Criteria: ICSL Variant Classification Criteria 13 December 2019. Collection method: clinical testing. Allele origin: germline.
Comment: This variant was observed in the ICSL laboratory as part of a predisposition screen in an ostensibly healthy population. It had not been previously curated by ICSL or reported in the Human Gene Mutation Database (HGMD: prior to June 1st, 2018), and was therefore a candidate for classification through an automated scoring system. Utilizing variant allele frequency, disease prevalence and penetrance estimates, and inheritance mode, an automated score was calculated to assess if this variant is too frequent to cause the disease. Based on the score and internal cut-off values, a variant classified as benign is not then subjected to further curation. The score for this variant resulted in a classification of benign for this disease.

NM_001101426.4(CRPPA):c.*2333T>C

Gene: CRPPA (CDP-L-ribitol pyrophosphorylase A; minus strand). Cytogenetic location: 7p21.2.
Variant type: single nucleotide variant.
Coding change: c.*2333T>C on transcript NM_001101426.4 (MANE Select); 2333 bases downstream of the stop codon, T replaced by C.
Molecular consequence: 3 prime UTR variant. On other transcripts: non-coding transcript variant (1).
Genome position (GRCh38, 1-based): chr7:16,089,362, A>G on the plus strand (T>C on the coding strand, the complement: CRPPA is on the minus strand). VCF-style: chr7-16089362-A-G. GRCh37 (hg19) VCF-style: chr7-16128987-A-G.
Other names: c.*2333T>C (NM_001101417.4, NM_001368197.1).
Identifiers: ClinVar variation 910519 (VCV000910519.4), dbSNP rs201756228, ClinGen allele CA4169262.